The following is an entry in ClinVar:

NM_015335.5(MED13L):c.1534G>A (p.Gly512Arg)

Gene: MED13L (mediator complex subunit 13L; minus strand). Cytogenetic location: 12q24.21.
Variant type: single nucleotide variant.
Coding change: c.1534G>A on transcript NM_015335.5 (MANE Select); coding-DNA position 1534, G replaced by A.
Protein change: p.Gly512Arg; replaces glycine 512 with arginine.
Molecular consequence: missense variant.
Genome position (GRCh38, 1-based): chr12:116,008,879, C>T on the plus strand (G>A on the coding strand, the complement: MED13L is on the minus strand). VCF-style: chr12-116008879-C-T. GRCh37 (hg19) VCF-style: chr12-116446684-C-T.
Other names: short protein forms G512R.
Identifiers: ClinVar variation 4771558 (VCV004771558.1).

ClinVar aggregate classification (germline): Uncertain significance (1 of 4 stars; one submission).

Conditions:
Dextro-looped transposition of the great arteries. Also called: Dextrotransposition of the great arteries. Identifiers: Orphanet 860, MedGen C3531771, MONDO:0019443, OMIM 608808, HP:0031348.

Submission:

Labcorp Genetics (formerly Invitae), Labcorp
Classification: Uncertain significance for Dextro-looped transposition of the great arteries. Last evaluated: 2025-05-30. Review status: criteria provided, single submitter. Criteria: Invitae Variant Classification Sherloc (09022015). Collection method: clinical testing. Allele origin: germline.
Comment: This sequence change replaces glycine, which is neutral and non-polar, with arginine, which is basic and polar, at codon 512 of the MED13L protein (p.Gly512Arg). This variant is not present in population databases (gnomAD no frequency). This variant has not been reported in the literature in individuals affected with MED13L-related conditions. Invitae Evidence Modeling of protein sequence and biophysical properties (such as structural, functional, and spatial information, amino acid conservation, physicochemical variation, residue mobility, and thermodynamic stability) indicates that this missense variant is not expected to disrupt MED13L protein function with a negative predictive value of 80%. In summary, the available evidence is currently insufficient to determine the role of this variant in disease. Therefore, it has been classified as a Variant of Uncertain Significance.